The following is an entry in ClinVar:

ClinVar aggregate classification (germline): Benign/Likely benign. Review status: criteria provided, multiple submitters, no conflicts (2 of 4 stars). 3 submissions from 3 submitters: Benign (1); Likely benign (2). Last evaluated 2024-04-24.

Conditions:
Developmental and epileptic encephalopathy, 12 (DEE12). Identifiers: MedGen C3150988, MONDO:0013389, OMIM 613722.

Allele frequency attached by ClinVar (database versions not stated): ExAC below 0.00001; gnomAD exomes below 0.00001; gnomAD 0.00002; TOPMed 0.00004; ESP Exome Variant Server 0.00008.
gnomAD v4.1: 51 of 1,593,034 alleles (0.0032%); highest among the groups gnomAD compares: Non-Finnish European, 0.0041%; no homozygotes.

Submissions (3):

Labcorp Genetics (formerly Invitae), Labcorp
Classification: Likely benign for Developmental and epileptic encephalopathy, 12. Last evaluated: 2024-04-24. Review status: criteria provided, single submitter. Criteria: Invitae Variant Classification Sherloc (09022015). Collection method: clinical testing. Allele origin: germline.

Blueprint Genetics
Classification: Likely benign. Last evaluated: 2022-11-01. Review status: criteria provided, single submitter. Criteria: ACMG Guidelines, 2015. Collection method: clinical testing. Allele origin: germline.

GeneDx
Classification: Benign. Last evaluated: 2014-02-25. Review status: criteria provided, single submitter. Criteria: GeneDx Variant Classification (06012015). Collection method: clinical testing. Allele origin: germline. Affected: yes.
Comment: This variant is considered likely benign or benign based on one or more of the following criteria: it is a conservative change, it occurs at a poorly conserved position in the protein, it is predicted to be benign by multiple in silico algorithms, and/or has population frequency not consistent with disease.

NM_007254.4(PNKP):c.937-10C>T

Gene: PNKP (polynucleotide kinase 3'-phosphatase; minus strand). Cytogenetic location: 19q13.33.
Variant type: single nucleotide variant.
Coding change: c.937-10C>T on transcript NM_007254.4 (MANE Select); 10 bases into the intron before coding-DNA position 937, C replaced by T.
Molecular consequence: intron variant.
Genome position (GRCh38, 1-based): chr19:49,862,473, G>A on the plus strand (C>T on the coding strand, the complement: PNKP is on the minus strand). VCF-style: chr19-49862473-G-A. GRCh37 (hg19) VCF-style: chr19-50365730-G-A.
Identifiers: ClinVar variation 138716 (VCV000138716.16), dbSNP rs376801468, ClinGen allele CA292800.